The following is an entry in ClinVar:

ClinVar aggregate classification (germline): Pathogenic/Likely pathogenic. Review status: criteria provided, multiple submitters, no conflicts (2 of 4 stars). 9 submissions from 9 submitters: Pathogenic (6); Likely pathogenic (1). 2 of the submissions do not count toward it. Last evaluated 2026-03-24.

Conditions:
TNXB-related disorder. Also called: TNXB-related condition.
Vesicoureteral reflux 8 (VUR8). Identifiers: Orphanet 289365, MedGen C4014831, MONDO:0014422, OMIM 615963.
Ehlers-Danlos syndrome due to tenascin-X deficiency (EDSCLL1). Also called: EDS DUE TO TNX DEFICIENCY; TNX DEFICIENCY; EHLERS-DANLOS SYNDROME, CLASSIC-LIKE; TNXB-Related Classical-Like Ehlers-Danlos Syndrome; Ehlers-Danlos syndrome, classic-like, 1. Identifiers: Orphanet 230839, MedGen C1848029, MONDO:0011670, OMIM 606408.
Cardiovascular phenotype. Identifiers: MedGen CN230736.

Submissions (9):

Women's Health and Genetics/Laboratory Corporation of America, LabCorp
Classification: Pathogenic for Ehlers-Danlos syndrome due to tenascin-X deficiency. Last evaluated: 2026-03-24. Review status: criteria provided, single submitter. Criteria: LabCorp Variant Classification Summary - May 2015. Collection method: clinical testing. Allele origin: germline.
Comment: Variant summary: TNXB c.3290_3291delAA (p.Lys1097ArgfsX48) results in a premature termination codon, predicted to cause a truncation of the encoded protein or absence of the protein due to nonsense mediated decay, which are commonly known mechanisms for disease. The variant allele was found at a frequency of 2.5e-05 in 244136 control chromosomes. c.3290_3291delAA has been observed in homozygous individuals affected with Ehlers-Danlos syndrome due to tenascin-X deficiency (Schalkwijk_2001). These data indicate that the variant is very likely to be associated with disease. To our knowledge, no experimental evidence demonstrating an impact on protein function has been reported. The following publication have been ascertained in the context of this evaluation (PMID: 11642233). ClinVar contains an entry for this variant (Variation ID: 8550). Based on the evidence outlined above, the variant was classified as pathogenic.

GeneDx
Classification: Likely pathogenic. Last evaluated: 2025-11-21. Review status: criteria provided, single submitter. Criteria: GeneDx Variant Classification Process June 2021. Collection method: clinical testing. Allele origin: germline. Affected: yes.
Comment: In a Letter to the Editor from the authors of Schalkwijk et al. (2001), the group reports additional workup on the family members of their previous cohort; authors observed that heterozygous family members were found to have significantly reduced tenascin X levels with a female-skewed preponderance for joint hypermobility (PMID: 12865992); Frameshift variant predicted to result in protein truncation or nonsense mediated decay in a gene for which loss of function is a known mechanism of disease; This variant is associated with the following publications: (PMID: 31775249, 12865992, 11642233)

Ambry Genetics
Classification: Pathogenic for Cardiovascular phenotype. Last evaluated: 2025-10-06. Review status: criteria provided, single submitter. Criteria: Ambry Variant Classification Scheme 2023. Collection method: clinical testing. Allele origin: germline.
Comment: The c.3290_3291delAA pathogenic mutation, located in coding exon 7 of the TNXB gene, results from a deletion of two nucleotides at nucleotide positions 3290 to 3291, causing a translational frameshift with a predicted alternate stop codon (p.K1097Rfs*48). This variant has been identified in the homozygous state in individual(s) with features consistent with TNXB-related Ehlers-Danlos syndrome (Schalkwijk J et al. N. Engl. J. Med., 2001 Oct;345:1167-75). This alteration is expected to result in loss of function by premature protein truncation or nonsense-mediated mRNA decay. As such, this alteration is interpreted as a disease-causing mutation.

CeGaT Center for Human Genetics Tuebingen
Classification: Pathogenic. Last evaluated: 2025-09-01. Review status: criteria provided, single submitter. Criteria: CeGaT Center For Human Genetics Tuebingen Variant Classification Criteria Version 2. Collection method: clinical testing. Allele origin: germline. Affected: yes. Observed: 1 variant allele.
Comment: TNXB: PVS1, PM2, PM3

Dasa
Classification: Pathogenic. Last evaluated: 2024-09-17. Review status: criteria provided, single submitter. Criteria: DASA Assertion Criteria. Collection method: clinical testing. Allele origin: germline.
Comment: NM_001365276.2(TNXB):c.3290_3291del (p.Lys1097Argfs*48) is a frameshift variant in TNXB predicted to alter the reading frame and introduce a premature termination codon and is predicted to result in an absent or altered protein product. Loss of function is an established disease mechanism for TNXB-associated disorders. This variant has been observed in affected individuals with TNXB-related disorders. Also, this variant is rare in population databases. Based on the currently available evidence, this variant is classified as pathogenic.

Fulgent Genetics
Classification: Pathogenic for Ehlers-Danlos syndrome due to tenascin-X deficiency; Vesicoureteral reflux 8. Last evaluated: 2024-03-07. Review status: criteria provided, single submitter. Criteria: ACMG Guidelines, 2015. Collection method: clinical testing. Allele origin: germline.

Lifecell International Pvt. Ltd
Classification: Pathogenic for Ehlers-Danlos syndrome due to tenascin-X deficiency. Review status: criteria provided, single submitter. Criteria: ACMG Guidelines, 2015. Collection method: clinical testing. Allele origin: germline. Inheritance: Autosomal recessive inheritance. Affected: yes. Observed: 1 compound heterozygote.
Comment: A Heterozygous Frameshift variant c.3290_3291delAA in Exon 8 of the TNXB gene that results in the amino acid substitution p.Lys1097fs*48 was identified. The observed variant has a minor allele frequency of 0.00002/0.00010 in gnomAD exomes and genomes, respectively. The severity of the impact of this variant on the protein is high, based on the effect of the protein and REVEL score . Rare Exome Variant Ensemble Learner (REVEL) is an ensembl method for predicting the pathogenicity of missense variants based on a combination of scores from 13 individual tools: MutPred, FATHMM v2.3, VEST 3.0, PolyPhen-2, SIFT, PROVEAN, MutationAssessor, MutationTaster, LRT, GERP++, SiPhy, phyloP, and phastCons. The REVEL score for an individual missense variant can range from 0 to 1, with higher scores reflecting greater likelihood that the variant is disease-causing. ClinVar has also classified this variant as Likely Pathogenic [Variant ID: 8550]. This mutation has been detected as homozygous in two individuals from an Ehlers-Danlos syndrome (EDS) cohort (Schalkwijk J et al. 2001). For these reasons, this variant has been classified as Pathogenic.

PreventionGenetics, part of Exact Sciences
Classification: Pathogenic for TNXB-related condition. Last evaluated: 2024-03-13. Review status: no assertion criteria provided. Collection method: clinical testing. Allele origin: germline. Not counted in ClinVar's aggregate classification.
Comment: The TNXB c.3290_3291delAA variant is predicted to result in a frameshift and premature protein termination (p.Lys1097Argfs*48). This variant has been reported to be pathogenic for autosomal recessive classical-like Ehlers-Danlos syndrome (EDS) (Fig. 4C of Schalkwijk et al. 2001. PubMed ID: 11642233). Of note, this variant has also been associated with hypermobility type EDS due to TNXB haploinsufficiency (reported as "[AA56063] del" in Zweers et al. 2003. PubMed ID: 12865992). This variant is reported in 0.0064% of alleles in individuals of European (Non-Finnish) descent in gnomAD. Frameshift variants in TNXB are expected to be pathogenic. This variant is interpreted as pathogenic.

OMIM
Classification: Pathogenic for EHLERS-DANLOS SYNDROME, CLASSIC-LIKE, 1. Last evaluated: 2003-07-01. Review status: no assertion criteria provided. Collection method: literature only. Allele origin: germline. Not counted in ClinVar's aggregate classification.

Literature cited by the submitters: PubMed 11642233 (cited by 4 submitters); PubMed 12865992 (cited by OMIM).

NM_001365276.2(TNXB):c.3290_3291del (p.Lys1097fs)

Gene: TNXB (tenascin XB; minus strand). Cytogenetic location: 6p21.33.
Variant type: Deletion.
Coding change: c.3290_3291del on transcript NM_001365276.2 (MANE Select); coding-DNA positions 3290 to 3291, 2 bases deleted (AA; older notation c.3290_3291delAA).
Protein change: p.Lys1097fs; shifts the reading frame from lysine 1097.
Molecular consequence: frameshift variant.
Genome position (GRCh38, 1-based): chr6:32,084,567-32,084,568, TT deleted on the plus strand (AA on the coding strand, the reverse complement: TNXB is on the minus strand); deleting any 2 consecutive bases within chr6:32,084,567-32,084,569 gives the same sequence; the c. name uses the placement nearest the transcript's 3' end. VCF-style (leftmost placement, unchanged base first): chr6-32084566-CTT-C. GRCh37 (hg19) VCF-style: chr6-32052343-CTT-C.
Other names: c.3290_3291del, p.Lys1097fs (NM_019105.8); c.3290_3291delAA (NM_019105.8, NM_019105.6); short protein forms K1097fs.
Identifiers: ClinVar variation 8550 (VCV000008550.25), dbSNP rs764070148, ClinGen allele CA212898.